The following is an entry in ClinVar:

NM_004380.3(CREBBP):c.2539C>A (p.Pro847Thr)

Gene: CREBBP (CREB binding lysine acetyltransferase; minus strand). Cytogenetic location: 16p13.3.
Variant type: single nucleotide variant.
Coding change: c.2539C>A on transcript NM_004380.3 (MANE Select); coding-DNA position 2539, C replaced by A.
Protein change: p.Pro847Thr; replaces proline 847 with threonine.
Molecular consequence: missense variant.
Genome position (GRCh38, 1-based): chr16:3,770,911, G>T on the plus strand (C>A on the coding strand, the complement: CREBBP is on the minus strand). VCF-style: chr16-3770911-G-T. GRCh37 (hg19) VCF-style: chr16-3820912-G-T.
Other names: c.2425C>A, p.Pro809Thr (NM_001079846.1); c.2539C>A (NM_004380.2); short protein forms P847T, P809T.
Identifiers: ClinVar variation 133925 (VCV000133925.3), dbSNP rs139050013, ClinGen allele CA158168.
Genomic context (GRCh38, chr16:3,770,911, plus strand): 5'-GCATGCCAGCAGCCGTGGAAGCAGGAGGCGGTGTTGGGTGCAGTGGTGACTGTGTCACTG[G>T]AGGGCAAGGTAGCTGGCTGGCCTGAGGCCCCAGCATGTTGAGAGGGTTAGGAAGAGCAGC-3'
Protein context (NP_004371.2, residues 837-857): GPQASQLPCP[Pro847Thr]VTQSPLHPTP

ClinVar aggregate classification (germline): Likely benign. Review status: no assertion criteria provided (0 of 4 stars). 2 submissions from 2 submitters: Likely benign (1). 1 of the submissions does not count toward it. Last evaluated 2024-01-28.

Conditions:
CREBBP-related disorder. Also called: CREBBP-related disorders; CREBBP-related condition.

Allele frequency attached by ClinVar (database versions not stated): gnomAD 0.00003 and 0.00005; TOPMed 0.00004; ExAC 0.00007; gnomAD exomes 0.00007; 1000 Genomes Project 30x 0.00031; 1000 Genomes Project 0.00040.
gnomAD v4.1: 57 of 1,613,842 alleles (0.0035%); highest among the groups gnomAD compares: East Asian, 0.12%; no homozygotes.

Submissions (2):

PreventionGenetics, part of Exact Sciences
Classification: Likely benign for CREBBP-related condition. Last evaluated: 2024-01-28. Review status: no assertion criteria provided. Collection method: clinical testing. Allele origin: germline.
Comment: This variant is classified as likely benign based on ACMG/AMP sequence variant interpretation guidelines (Richards et al. 2015 PMID: 25741868, with internal and published modifications).

ITMI
No classification provided. Condition: AllHighlyPenetrant. Last evaluated: 2013-09-19. Review status: no classification provided. Collection method: reference population. Allele origin: germline. Not counted in ClinVar's aggregate classification.
Comment: Please see associated publication for description of ethnicities

Literature cited by the submitters: PubMed 24728327 (cited by ITMI).